The following is an entry in ClinVar:

NM_006231.4(POLE):c.879T>G (p.Ile293Met)

Gene: POLE (DNA polymerase epsilon, catalytic subunit; minus strand). Cytogenetic location: 12q24.33.
Variant type: single nucleotide variant.
Coding change: c.879T>G on transcript NM_006231.4 (MANE Select); coding-DNA position 879, T replaced by G.
Protein change: p.Ile293Met; replaces isoleucine 293 with methionine.
Molecular consequence: missense variant.
Genome position (GRCh38, 1-based): chr12:132,676,576, A>C on the plus strand (T>G on the coding strand, the complement: POLE is on the minus strand). VCF-style: chr12-132676576-A-C. GRCh37 (hg19) VCF-style: chr12-133253162-A-C.
Other names: short protein forms I293M.
Identifiers: ClinVar variation 1352583 (VCV001352583.9), dbSNP rs2136015666, ClinGen allele CA387364227.

ClinVar aggregate classification (germline): Uncertain significance. Review status: criteria provided, multiple submitters, no conflicts (2 of 4 stars). 2 submissions from 2 submitters: Uncertain significance (2). Last evaluated 2025-01-13.

Conditions:
Hereditary cancer-predisposing syndrome. Also called: Neoplastic Syndromes, Hereditary; Tumor predisposition; Hereditary neoplastic syndrome; Hereditary Cancer Syndrome. Identifiers: Orphanet 140162, MedGen C0027672, MeSH D009386, MONDO:0015356.

Submissions (2):

Ambry Genetics
Classification: Uncertain significance for Hereditary cancer-predisposing syndrome. Last evaluated: 2025-01-13. Review status: criteria provided, single submitter. Criteria: Ambry Variant Classification Scheme 2023. Collection method: clinical testing. Allele origin: germline.
Comment: The p.I293M variant (also known as c.879T>G), located in coding exon 9 of the POLE gene, results from a T to G substitution at nucleotide position 879. The isoleucine at codon 293 is replaced by methionine, an amino acid with highly similar properties. This amino acid position is conserved. In addition, the in silico prediction for this alteration is inconclusive. Since supporting evidence is limited at this time, the clinical significance of this alteration remains unclear.

Labcorp Genetics (formerly Invitae), Labcorp
Classification: Uncertain significance. Last evaluated: 2022-03-03. Review status: criteria provided, single submitter. Criteria: Invitae Variant Classification Sherloc (09022015). Collection method: clinical testing. Allele origin: germline.
Comment: This sequence change replaces isoleucine, which is neutral and non-polar, with methionine, which is neutral and non-polar, at codon 293 of the POLE protein (p.Ile293Met). This variant is not present in population databases (gnomAD no frequency). This variant has not been reported in the literature in individuals affected with POLE-related conditions. Algorithms developed to predict the effect of missense changes on protein structure and function are either unavailable or do not agree on the potential impact of this missense change (SIFT: "Deleterious"; PolyPhen-2: "Probably Damaging"; Align-GVGD: "Class C0"). In summary, the available evidence is currently insufficient to determine the role of this variant in disease. Therefore, it has been classified as a Variant of Uncertain Significance.